The following is an entry in ClinVar:

NM_000441.2(SLC26A4):c.427G>C (p.Val143Leu)

Gene: SLC26A4 (solute carrier family 26 member 4; plus strand). Cytogenetic location: 7q22.3.
Variant type: single nucleotide variant.
Coding change: c.427G>C on transcript NM_000441.2 (MANE Select); coding-DNA position 427, G replaced by C.
Protein change: p.Val143Leu; replaces valine 143 with leucine.
Molecular consequence: missense variant.
Genome position (GRCh38, 1-based): chr7:107,674,175, G>C. VCF-style: chr7-107674175-G-C. GRCh37 (hg19) VCF-style: chr7-107314620-G-C.
Other names: c.427G>C (NM_000441.1); short protein forms V143L.
Identifiers: ClinVar variation 2166642 (VCV002166642.2), dbSNP rs575505679, ClinGen allele CA4432477.

ClinVar aggregate classification (germline): Uncertain significance. Review status: criteria provided, multiple submitters, no conflicts (2 of 4 stars). 2 submissions from 2 submitters: Uncertain significance (2). Last evaluated 2025-06-24.

Allele frequency attached by ClinVar (database versions not stated): ExAC 0.00002; gnomAD 0.00001; 1000 Genomes Project 30x 0.00016; TOPMed below 0.00001; 1000 Genomes Project 0.00020.
gnomAD v4.1: 10 of 1,614,066 alleles (0.00062%); highest among the groups gnomAD compares: East Asian, 0.0067%; no homozygotes.

Submissions (2):

GeneDx
Classification: Uncertain significance. Last evaluated: 2025-06-24. Review status: criteria provided, single submitter. Criteria: GeneDx Variant Classification Process June 2021. Collection method: clinical testing. Allele origin: germline. Affected: yes.
Comment: Reported in a patient with hearing loss in published literature (PMID: 21704276); In silico analysis supports that this missense variant has a deleterious effect on protein structure/function; This variant is associated with the following publications: (PMID: 21704276)

Labcorp Genetics (formerly Invitae), Labcorp
Classification: Uncertain significance. Last evaluated: 2022-05-25. Review status: criteria provided, single submitter. Criteria: Invitae Variant Classification Sherloc (09022015). Collection method: clinical testing. Allele origin: germline.
Comment: This sequence change replaces valine, which is neutral and non-polar, with leucine, which is neutral and non-polar, at codon 143 of the SLC26A4 protein (p.Val143Leu). This variant is present in population databases (rs575505679, gnomAD 0.01%). This missense change has been observed in individual(s) with deafness (PMID: 21704276). Advanced modeling of protein sequence and biophysical properties (such as structural, functional, and spatial information, amino acid conservation, physicochemical variation, residue mobility, and thermodynamic stability) performed at Invitae indicates that this missense variant is expected to disrupt SLC26A4 protein function. In summary, the available evidence is currently insufficient to determine the role of this variant in disease. Therefore, it has been classified as a Variant of Uncertain Significance.

Literature cited by the submitters: PubMed 21704276 (cited by Labcorp Genetics (formerly Invitae), Labcorp).